The following is an entry in ClinVar:

ClinVar aggregate classification (germline): Conflicting classifications of pathogenicity. Review status: criteria provided, conflicting classifications (1 of 4 stars). 2 submissions from 2 submitters: Uncertain significance (1); Likely benign (1). Last evaluated 2023-10-18.

Allele frequency attached by ClinVar (database versions not stated): TOPMed below 0.00001; gnomAD 0.00001; gnomAD exomes 0.00001 and 0.00002.
gnomAD v4.1: 18 of 1,613,744 alleles (0.0011%); highest among the groups gnomAD compares: Non-Finnish European, 0.0015%; no homozygotes.

Submissions (2):

Labcorp Genetics (formerly Invitae), Labcorp
Classification: Likely benign. Last evaluated: 2023-10-18. Review status: criteria provided, single submitter. Criteria: Invitae Variant Classification Sherloc (09022015). Collection method: clinical testing. Allele origin: germline.

GeneDx
Classification: Uncertain significance. Last evaluated: 2022-11-15. Review status: criteria provided, single submitter. Criteria: GeneDx Variant Classification Process June 2021. Collection method: clinical testing. Allele origin: germline. Affected: yes.
Comment: Not observed at significant frequency in large population cohorts (gnomAD); In silico analysis supports that this missense variant has a deleterious effect on protein structure/function; Has not been previously published as pathogenic or benign to our knowledge

NM_001854.4(COL11A1):c.4711G>T (p.Asp1571Tyr)

Gene: COL11A1 (collagen type XI alpha 1 chain; minus strand). Cytogenetic location: 1p21.1.
Variant type: single nucleotide variant.
Coding change: c.4711G>T on transcript NM_001854.4 (MANE Select); coding-DNA position 4711, G replaced by T.
Protein change: p.Asp1571Tyr; replaces aspartic acid 1571 with tyrosine.
Molecular consequence: missense variant. On other transcripts: non-coding transcript variant (1).
Genome position (GRCh38, 1-based): chr1:102,886,954, C>A on the plus strand (G>T on the coding strand, the complement: COL11A1 is on the minus strand). VCF-style: chr1-102886954-C-A. GRCh37 (hg19) VCF-style: chr1-103352510-C-A.
Other names: c.4594G>T, p.Asp1532Tyr (NM_001190709.2); c.4747G>T, p.Asp1583Tyr (NM_080629.3); c.4363G>T, p.Asp1455Tyr (NM_080630.4); c.4711G>T (NM_001854.3); short protein forms D1455Y, D1532Y, D1583Y, D1571Y.
Identifiers: ClinVar variation 1394936 (VCV001394936.6), dbSNP rs1277867710, ClinGen allele CA341212028.